The following is an entry in ClinVar:

ClinVar aggregate classification (germline): Conflicting classifications of pathogenicity. Review status: criteria provided, conflicting classifications (1 of 4 stars). 3 submissions from 3 submitters: Likely pathogenic (2); Uncertain significance (1). Last evaluated 2023-11-09.

Conditions:
3-hydroxy-3-methylglutaryl-CoA synthase deficiency (HMGCS2D). Also called: MITOCHONDRIAL HMG-CoA SYNTHASE DEFICIENCY; HMG-CoA synthase-2 deficiency; HMGCS2 DEFICIENCY. Identifiers: Orphanet 35701, MedGen C2751532, MONDO:0011614, OMIM 605911.

Allele frequency attached by ClinVar (database versions not stated): ExAC 0.00002; TOPMed 0.00006; ESP Exome Variant Server 0.00008; gnomAD 0.00008.
gnomAD v4.1: 30 of 1,614,000 alleles (0.0019%); highest among the groups gnomAD compares: Middle Eastern, 0.016%; no homozygotes.

Submissions (3):

Centre de Génétique Humaine, Institut de Pathologie Et de Génétique
Classification: Likely pathogenic for 3-hydroxy-3-methylglutaryl-CoA synthase deficiency. Last evaluated: 2023-11-09. Review status: criteria provided, single submitter. Criteria: ACMG Guidelines, 2015. Collection method: clinical testing. Allele origin: paternal. Inheritance: Autosomal recessive inheritance. Affected: yes. Observed: 1 compound heterozygote.
Comment: c.821G>A p.(Arg274His) is a missense variant seen with an allele frequency of 1.86e-5 in gnomAD v4. It affects a moderately conserved nucleotide (phyloP : 4.63) and a highly conserved amino acid (down to the fruitfly, 10/12) located in a functionnal domain of the protein : « Hydroxymethylglutaryl-coenzyme A synthase ». In silico softwares are equivocal (CADD : 23, REVEL : 0.398, PolyPhen2 0.999, SIFT : tolerated, MutationTaster : benign). Excellent clinical evolution at last follow-up (22 months).

Women's Health and Genetics/Laboratory Corporation of America, LabCorp
Classification: Uncertain significance. Last evaluated: 2023-05-23. Review status: criteria provided, single submitter. Criteria: LabCorp Variant Classification Summary - May 2015. Collection method: clinical testing. Allele origin: germline.
Comment: Variant summary: HMGCS2 c.821G>A (p.Arg274His) results in a non-conservative amino acid change located in the Hydroxymethylglutaryl-coenzyme A synthase, C-terminal domain (IPR013746) of the encoded protein sequence. Three of five in-silico tools predict a damaging effect of the variant on protein function. The variant allele was found at a frequency of 1.2e-05 in 251318 control chromosomes (gnomAD). The available data on variant occurrences in the general population are insufficient to allow any conclusion about variant significance. c.821G>A has been reported in the literature in an individual affected with 3-hydroxy-3-methylglutaryl-CoA synthase deficiency (example: Wu_2021). These data do not allow any conclusion about variant significance. To our knowledge, no experimental evidence demonstrating an impact on protein function has been reported. The following publications have been ascertained in the context of this evaluation (PMID: 35308163). No clinical diagnostic laboratories have submitted clinical-significance assessments for this variant to ClinVar after 2014. Based on the evidence outlined above, the variant was classified as uncertain significance.

Department of Endocrinology, Metabolism and Genetics, Henan Children's Hospital, Children's Hospital Affiliated to Zhengzhou University
Classification: Likely pathogenic for 3-hydroxy-3-methylglutaryl-CoA synthase deficiency. Review status: criteria provided, single submitter. Criteria: ACMG Guidelines, 2015. Collection method: clinical testing. Allele origin: germline. Affected: yes.

Literature cited by the submitters: PubMed 35308163 (cited by Women's Health and Genetics/Laboratory Corporation of America, LabCorp).

NM_005518.4(HMGCS2):c.821G>A (p.Arg274His)

Gene: HMGCS2 (3-hydroxy-3-methylglutaryl-CoA synthase 2; minus strand). Cytogenetic location: 1p12.
Variant type: single nucleotide variant.
Coding change: c.821G>A on transcript NM_005518.4 (MANE Select); coding-DNA position 821, G replaced by A.
Protein change: p.Arg274His; replaces arginine 274 with histidine.
Molecular consequence: missense variant.
Genome position (GRCh38, 1-based): chr1:119,759,147, C>T on the plus strand (G>A on the coding strand, the complement: HMGCS2 is on the minus strand). VCF-style: chr1-119759147-C-T. GRCh37 (hg19) VCF-style: chr1-120301770-C-T.
Other names: c.695G>A, p.Arg232His (NM_001166107.1); short protein forms R232H, R274H.
Identifiers: ClinVar variation 1327464 (VCV001327464.4), dbSNP rs370058829, ClinGen allele CA1037784.